The following is an entry in ClinVar:

NM_000530.8(MPZ):c.88A>C (p.Ile30Leu)

Gene: MPZ (myelin protein zero; minus strand). Cytogenetic location: 1q23.3.
Variant type: single nucleotide variant.
Coding change: c.88A>C on transcript NM_000530.8 (MANE Select); coding-DNA position 88, A replaced by C.
Protein change: p.Ile30Leu; replaces isoleucine 30 with leucine.
Molecular consequence: missense variant.
Genome position (GRCh38, 1-based): chr1:161,307,404, T>G on the plus strand (A>C on the coding strand, the complement: MPZ is on the minus strand). VCF-style: chr1-161307404-T-G. GRCh37 (hg19) VCF-style: chr1-161277194-T-G.
Other names: c.88A>C (LRG_256t1); c.88A>C, p.Ile30Leu (NM_001315491.2); short protein forms I30L.
Identifiers: ClinVar variation 531689 (VCV000531689.6), dbSNP rs1386345719, ClinGen allele CA343351624.
Genomic context (GRCh38, chr1:161,307,404, plus strand): 5'-AGTGCAGGGTCACCCGGGAGCCCACAGCACCATGGACCTCCCTGTCGGTGTAAACCACGA[T>G]GGCCTGGGCCGGGGACAGCACTGCAAGCACAAAGTGGGGAATCAGATGCACCTATGGGCC-3'
Protein context (NP_000521.2, residues 20-40): SSLVLSPAQA[Ile30Leu]VVYTDREVHG

ClinVar aggregate classification (germline): Uncertain significance (1 of 4 stars; one submission).

Conditions:
Charcot-Marie-Tooth disease, type I (CMT1). Also called: Charcot-Marie-Tooth disease type 1; Charcot-Marie-Tooth, Type 1. Identifiers: Orphanet 65753, MedGen C0751036, MONDO:0019011.

Submission:

Labcorp Genetics (formerly Invitae), Labcorp
Classification: Uncertain significance for Charcot-Marie-Tooth disease, type I. Last evaluated: 2024-08-11. Review status: criteria provided, single submitter. Criteria: Invitae Variant Classification Sherloc (09022015). Collection method: clinical testing. Allele origin: germline.
Comment: This sequence change replaces isoleucine, which is neutral and non-polar, with leucine, which is neutral and non-polar, at codon 30 of the MPZ protein (p.Ile30Leu). This variant is not present in population databases (gnomAD no frequency). This missense change has been observed in individual(s) with clinical features of MPZ-related conditions (Invitae). ClinVar contains an entry for this variant (Variation ID: 531689). Advanced modeling of protein sequence and biophysical properties (such as structural, functional, and spatial information, amino acid conservation, physicochemical variation, residue mobility, and thermodynamic stability) performed at Invitae indicates that this missense variant is not expected to disrupt MPZ protein function with a negative predictive value of 80%. This variant disrupts the p.Ile30 amino acid residue in MPZ. Other variant(s) that disrupt this residue have been determined to be pathogenic (PMID: 7694726, 26454100). This suggests that this residue is clinically significant, and that variants that disrupt this residue are likely to be disease-causing. In summary, the available evidence is currently insufficient to determine the role of this variant in disease. Therefore, it has been classified as a Variant of Uncertain Significance.

Literature cited by the submitters: PubMed 7694726; PubMed 26454100.